The following is an entry in ClinVar:

NM_006514.4(SCN10A):c.3704C>A (p.Ala1235Glu)

Gene: SCN10A (sodium voltage-gated channel alpha subunit 10; minus strand). Cytogenetic location: 3p22.2.
Variant type: single nucleotide variant.
Coding change: c.3704C>A on transcript NM_006514.4 (MANE Select); coding-DNA position 3704, C replaced by A.
Protein change: p.Ala1235Glu; replaces alanine 1235 with glutamic acid.
Molecular consequence: missense variant.
Genome position (GRCh38, 1-based): chr3:38,714,058, G>T on the plus strand (C>A on the coding strand, the complement: SCN10A is on the minus strand). VCF-style: chr3-38714058-G-T. GRCh37 (hg19) VCF-style: chr3-38755549-G-T.
Other names: c.3701C>A, p.Ala1234Glu (NM_001293306.2); c.3410C>A, p.Ala1137Glu (NM_001293307.2); short protein forms A1137E, A1234E, A1235E.
Identifiers: ClinVar variation 1404877 (VCV001404877.11), dbSNP rs765984332, ClinGen allele CA352151811.

ClinVar aggregate classification (germline): Uncertain significance. Review status: criteria provided, multiple submitters, no conflicts (2 of 4 stars). 2 submissions from 2 submitters: Uncertain significance (2). Last evaluated 2024-10-14.

Conditions:
Cardiovascular phenotype. Identifiers: MedGen CN230736.
Brugada syndrome. Also called: Sudden Unexplained Death Syndrome; Sudden Unexplained Nocturnal Death Syndrome (SUNDS); Sudden unexplained nocturnal death syndrome; Sudden unexpected nocturnal death syndrome. Identifiers: Orphanet 130, MedGen C1142166, MONDO:0015263.

gnomAD v4.1: 1 of 1,614,146 alleles (0.000062%); highest among the groups gnomAD compares: South Asian, 0.0011%; no homozygotes.

Submissions (2):

Ambry Genetics
Classification: Uncertain significance for Cardiovascular phenotype. Last evaluated: 2024-10-14. Review status: criteria provided, single submitter. Criteria: Ambry Variant Classification Scheme 2023. Collection method: clinical testing. Allele origin: germline.
Comment: The p.A1235E variant (also known as c.3704C>A), located in coding exon 21 of the SCN10A gene, results from a C to A substitution at nucleotide position 3704. The alanine at codon 1235 is replaced by glutamic acid, an amino acid with dissimilar properties. This amino acid position is conserved. In addition, this alteration is predicted to be deleterious by in silico analysis. Since supporting evidence is limited at this time, the clinical significance of this alteration remains unclear.

Labcorp Genetics (formerly Invitae), Labcorp
Classification: Uncertain significance for Brugada syndrome. Last evaluated: 2021-06-07. Review status: criteria provided, single submitter. Criteria: Invitae Variant Classification Sherloc (09022015). Collection method: clinical testing. Allele origin: germline.
Comment: Advanced modeling of protein sequence and biophysical properties (such as structural, functional, and spatial information, amino acid conservation, physicochemical variation, residue mobility, and thermodynamic stability) performed at Invitae indicates that this missense variant is expected to disrupt SCN10A protein function. In summary, the available evidence is currently insufficient to determine the role of this variant in disease. Therefore, it has been classified as a Variant of Uncertain Significance. This variant has not been reported in the literature in individuals with SCN10A-related conditions. This variant is not present in population databases (ExAC no frequency). This sequence change replaces alanine with glutamic acid at codon 1235 of the SCN10A protein (p.Ala1235Glu). The alanine residue is moderately conserved and there is a moderate physicochemical difference between alanine and glutamic acid.